The following is an entry in ClinVar:

NM_014946.4(SPAST):c.324G>C (p.Val108=)

Gene: SPAST (spastin; plus strand). Cytogenetic location: 2p22.3.
Variant type: single nucleotide variant.
Coding change: c.324G>C on transcript NM_014946.4 (MANE Select); coding-DNA position 324, G replaced by C.
Protein change: p.Val108=; no amino-acid change (valine 108 retained).
Molecular consequence: synonymous variant.
Genome position (GRCh38, 1-based): chr2:32,064,155, G>C. VCF-style: chr2-32064155-G-C. GRCh37 (hg19) VCF-style: chr2-32289224-G-C.
Other names: c.324G>C, p.Val108= (NM_001363823.2, NM_001363875.2, NM_001377959.1 and 1 more transcripts).
Identifiers: ClinVar variation 699000 (VCV000699000.7), dbSNP rs750637923, ClinGen allele CA1600557.

ClinVar aggregate classification (germline): Likely benign. Review status: criteria provided, multiple submitters, no conflicts (2 of 4 stars). 2 submissions from 2 submitters: Likely benign (2). Last evaluated 2025-11-24.

Conditions:
SPAST-related disorder. Also called: SPAST-related condition.
Hereditary spastic paraplegia 4. Also called: Spastic paraplegia 4, autosomal dominant; Spastic Paraplegia 4; Familial spastic paraplegia autosomal dominant 2. Identifiers: Orphanet 100985, MedGen C1866855, MONDO:0008438, OMIM 182601.

Allele frequency attached by ClinVar (database versions not stated): ExAC below 0.00001; gnomAD exomes 0.00001; gnomAD 0.00010 and 0.00011; TOPMed 0.00012; 1000 Genomes Project 30x 0.00016.
gnomAD v4.1: 27 of 1,556,160 alleles (0.0017%); highest among the groups gnomAD compares: African/African-American, 0.031%; no homozygotes.

Submissions (2):

Labcorp Genetics (formerly Invitae), Labcorp
Classification: Likely benign for Hereditary spastic paraplegia 4. Last evaluated: 2025-11-24. Review status: criteria provided, single submitter. Criteria: Invitae Variant Classification Sherloc (09022015). Collection method: clinical testing. Allele origin: germline.

PreventionGenetics, part of Exact Sciences
Classification: Likely benign for SPAST-related condition. Last evaluated: 2025-07-25. Review status: criteria provided, single submitter. Criteria: ACMG Guidelines, 2015. Collection method: clinical testing. Allele origin: germline.
Comment: This variant is classified as likely benign based on ACMG/AMP sequence variant interpretation guidelines (Richards et al. 2015 PMID: 25741868, with internal and published modifications).